The following is an entry in ClinVar:

NM_020778.5(ALPK3):c.3319C>G (p.Gln1107Glu)

Gene: ALPK3 (alpha kinase 3; plus strand). Cytogenetic location: 15q25.3.
Variant type: single nucleotide variant.
Coding change: c.3319C>G on transcript NM_020778.5 (MANE Select); coding-DNA position 3319, C replaced by G.
Protein change: p.Gln1107Glu; replaces glutamine 1107 with glutamic acid.
Molecular consequence: missense variant.
Genome position (GRCh38, 1-based): chr15:84,858,057, C>G. VCF-style: chr15-84858057-C-G. GRCh37 (hg19) VCF-style: chr15-85401288-C-G.
Other names: short protein forms Q1107E.
Identifiers: ClinVar variation 1435061 (VCV001435061.14), dbSNP rs767926913, ClinGen allele CA7709601.

ClinVar aggregate classification (germline): Conflicting classifications of pathogenicity. Review status: criteria provided, conflicting classifications (1 of 4 stars). 3 submissions from 3 submitters: Uncertain significance (2); Likely benign (1). Last evaluated 2025-12-19.

Conditions:
Cardiovascular phenotype. Identifiers: MedGen CN230736.

Allele frequency attached by ClinVar (database versions not stated): gnomAD 0.00006; ExAC 0.00008; gnomAD exomes 0.00008 and 0.00014; TOPMed 0.00008.
gnomAD v4.1: 199 of 1,569,680 alleles (0.013%); highest among the groups gnomAD compares: Non-Finnish European, 0.016%; 1 homozygote.

Submissions (3):

Women's Health and Genetics/Laboratory Corporation of America, LabCorp
Classification: Uncertain significance. Last evaluated: 2025-12-19. Review status: criteria provided, single submitter. Criteria: LabCorp Variant Classification Summary - May 2015. Collection method: clinical testing. Allele origin: germline.

Ambry Genetics
Classification: Likely benign for Cardiovascular phenotype. Last evaluated: 2025-10-28. Review status: criteria provided, single submitter. Criteria: Ambry Variant Classification Scheme 2023. Collection method: clinical testing. Allele origin: germline.

Labcorp Genetics (formerly Invitae), Labcorp
Classification: Uncertain significance. Last evaluated: 2025-10-23. Review status: criteria provided, single submitter. Criteria: Invitae Variant Classification Sherloc (09022015). Collection method: clinical testing. Allele origin: germline.
Comment: This sequence change replaces glutamine, which is neutral and polar, with glutamic acid, which is acidic and polar, at codon 1309 of the ALPK3 protein (p.Gln1309Glu). This variant is present in population databases (rs767926913, gnomAD 0.02%). This variant has not been reported in the literature in individuals affected with ALPK3-related conditions. ClinVar contains an entry for this variant (Variation ID: 1435061). Invitae Evidence Modeling of protein sequence and biophysical properties (such as structural, functional, and spatial information, amino acid conservation, physicochemical variation, residue mobility, and thermodynamic stability) indicates that this missense variant is not expected to disrupt ALPK3 protein function with a negative predictive value of 80%. In summary, the available evidence is currently insufficient to determine the role of this variant in disease. Therefore, it has been classified as a Variant of Uncertain Significance.